The following is an entry in ClinVar:

NM_024809.5(TCTN2):c.673A>T (p.Thr225Ser)

Gene: TCTN2 (tectonic family member 2; plus strand). Cytogenetic location: 12q24.31.
Variant type: single nucleotide variant.
Coding change: c.673A>T on transcript NM_024809.5 (MANE Select); coding-DNA position 673, A replaced by T.
Protein change: p.Thr225Ser; replaces threonine 225 with serine.
Molecular consequence: missense variant.
Genome position (GRCh38, 1-based): chr12:123,686,944, A>T. VCF-style: chr12-123686944-A-T. GRCh37 (hg19) VCF-style: chr12-124171491-A-T.
Other names: c.670A>T, p.Thr224Ser (NM_001143850.3); c.673A>T, p.Thr225Ser (NM_001410989.1); short protein forms T224S, T225S.
Identifiers: ClinVar variation 2053589 (VCV002053589.4), dbSNP rs2541772916, ClinGen allele CA387161868.
Genomic context (GRCh38, chr12:123,686,944, plus strand): 5'-GGCGTGTTTGGAGGAGACGTCAATCCTCCTTTTGATCAGCTCTGCTCTGCTGGGACGACG[A>T]CACGTGGTGTCCCCGATTGGTTTCCCTTTCTGTGTGTGCAGTCCCCCCTTGCCAACACAC-3'
Protein context (NP_079085.2, residues 215-235): FDQLCSAGTT[Thr225Ser]RGVPDWFPFL

ClinVar aggregate classification (germline): Uncertain significance (1 of 4 stars; one submission).

Conditions:
Joubert syndrome. Also called: CEREBELLOPARENCHYMAL DISORDER IV; JOUBERT-BOLTSHAUSER SYNDROME; Familial aplasia of the vermis. Identifiers: Orphanet 475, MedGen C5979921, MONDO:0018772.
Meckel-Gruber syndrome. Also called: DYSENCEPHALIA SPLANCHNOCYSTICA; GRUBER SYNDROME; Dysencephalia splachnocystica. Identifiers: Orphanet 564, MedGen C0265215, MONDO:0018921.

Submission:

Labcorp Genetics (formerly Invitae), Labcorp
Classification: Uncertain significance for Joubert syndrome; Meckel-Gruber syndrome. Last evaluated: 2022-07-19. Review status: criteria provided, single submitter. Criteria: Invitae Variant Classification Sherloc (09022015). Collection method: clinical testing. Allele origin: germline.
Comment: In summary, the available evidence is currently insufficient to determine the role of this variant in disease. Therefore, it has been classified as a Variant of Uncertain Significance. Algorithms developed to predict the effect of missense changes on protein structure and function output the following: SIFT: "Tolerated"; PolyPhen-2: "Benign"; Align-GVGD: "Class C0". The serine amino acid residue is found in multiple mammalian species, which suggests that this missense change does not adversely affect protein function. This variant has not been reported in the literature in individuals affected with TCTN2-related conditions. This variant is not present in population databases (gnomAD no frequency). This sequence change replaces threonine, which is neutral and polar, with serine, which is neutral and polar, at codon 225 of the TCTN2 protein (p.Thr225Ser).